The following is an entry in ClinVar:

NM_018993.4(RIN2):c.2523C>T (p.Asp841=)

Gene: RIN2 (Ras and Rab interactor 2; plus strand). Cytogenetic location: 20p11.23.
Variant type: single nucleotide variant.
Coding change: c.2523C>T on transcript NM_018993.4 (MANE Select); coding-DNA position 2523, C replaced by T.
Protein change: p.Asp841=; no amino-acid change (aspartic acid 841 retained).
Molecular consequence: synonymous variant.
Genome position (GRCh38, 1-based): chr20:20,000,771, C>T. VCF-style: chr20-20000771-C-T. GRCh37 (hg19) VCF-style: chr20-19981415-C-T.
Other names: c.2670C>T, p.Asp890= (NM_001242581.2); c.1905C>T, p.Asp635= (NM_001378238.1).
Identifiers: ClinVar variation 682514 (VCV000682514.6), dbSNP rs201406234, ClinGen allele CA9780319.

ClinVar aggregate classification (germline): Likely benign. Review status: criteria provided, multiple submitters, no conflicts (2 of 4 stars). 2 submissions from 2 submitters: Likely benign (2). Last evaluated 2025-05-26.

Allele frequency attached by ClinVar (database versions not stated): gnomAD exomes 0.00004 and 0.00006; ExAC 0.00007; gnomAD 0.00007 and 0.00009; TOPMed 0.00010; 1000 Genomes Project 30x 0.00016; 1000 Genomes Project 0.00020.
gnomAD v4.1: 76 of 1,613,948 alleles (0.0047%); highest among the groups gnomAD compares: South Asian, 0.014%; no homozygotes.

Submissions (2):

Labcorp Genetics (formerly Invitae), Labcorp
Classification: Likely benign. Last evaluated: 2025-05-26. Review status: criteria provided, single submitter. Criteria: Invitae Variant Classification Sherloc (09022015). Collection method: clinical testing. Allele origin: germline.

GeneDx
Classification: Likely benign. Last evaluated: 2018-04-27. Review status: criteria provided, single submitter. Criteria: GeneDx Variant Classification (06012015). Collection method: clinical testing. Allele origin: germline. Affected: yes.
Comment: This variant is considered likely benign or benign based on one or more of the following criteria: it is a conservative change, it occurs at a poorly conserved position in the protein, it is predicted to be benign by multiple in silico algorithms, and/or has population frequency not consistent with disease.